The following is an entry in ClinVar:

NM_001458.5(FLNC):c.5785A>G (p.Ile1929Val)

Genes: FLNC-AS1 (FLNC antisense RNA 1; minus strand), FLNC (filamin C; plus strand). Cytogenetic location: 7q32.1.
Variant type: single nucleotide variant.
Coding change: c.5785A>G on transcript NM_001458.5 (MANE Select); coding-DNA position 5785, A replaced by G.
Protein change: p.Ile1929Val; replaces isoleucine 1929 with valine.
Molecular consequence: missense variant.
Genome position (GRCh38, 1-based): chr7:128,851,571, A>G. VCF-style: chr7-128851571-A-G. GRCh37 (hg19) VCF-style: chr7-128491625-A-G.
Other names: c.5686A>G, p.Ile1896Val (NM_001127487.2); short protein forms I1896V, I1929V.
Identifiers: ClinVar variation 2928983 (VCV002928983.4), dbSNP rs1231856625, ClinGen allele CA369208442.

ClinVar aggregate classification (germline): Uncertain significance. Review status: criteria provided, multiple submitters, no conflicts (2 of 4 stars). 2 submissions from 2 submitters: Uncertain significance (2). Last evaluated 2025-09-22.

Conditions:
Cardiovascular phenotype. Identifiers: MedGen CN230736.
Hypertrophic cardiomyopathy 26. Also called: Cardiomyopathy, familial hypertrophic, 26. Identifiers: Orphanet 75249, MedGen C4310749, MONDO:0014883, OMIM 617047.
Myofibrillar myopathy 5. Also called: Filaminopathy (type); FILAMINOPATHY, AUTOSOMAL DOMINANT. Identifiers: Orphanet 171445, MedGen C1836050, MONDO:0012289, OMIM 609524.
Distal myopathy with posterior leg and anterior hand involvement. Also called: WILLIAMS DISTAL MYOPATHY. Identifiers: Orphanet 63273, MedGen C3279722, MONDO:0013550, OMIM 614065.

Allele frequency attached by ClinVar (database versions not stated): TOPMed below 0.00001; gnomAD exomes 0.00001.
gnomAD v4.1: 3 of 1,614,028 alleles (0.00019%); highest among the groups gnomAD compares: East Asian, 0.0067%; no homozygotes.

Submissions (2):

Labcorp Genetics (formerly Invitae), Labcorp
Classification: Uncertain significance for Distal myopathy with posterior leg and anterior hand involvement; Myofibrillar myopathy 5; Hypertrophic cardiomyopathy 26. Last evaluated: 2025-09-22. Review status: criteria provided, single submitter. Criteria: Invitae Variant Classification Sherloc (09022015). Collection method: clinical testing. Allele origin: germline.
Comment: This sequence change replaces isoleucine, which is neutral and non-polar, with valine, which is neutral and non-polar, at codon 1929 of the FLNC protein (p.Ile1929Val). This variant is present in population databases (no rsID available, gnomAD 0.006%). This variant has not been reported in the literature in individuals affected with FLNC-related conditions. ClinVar contains an entry for this variant (Variation ID: 2928983). Invitae Evidence Modeling of protein sequence and biophysical properties (such as structural, functional, and spatial information, amino acid conservation, physicochemical variation, residue mobility, and thermodynamic stability) has been performed for this missense variant. However, the output from this modeling did not meet the statistical confidence thresholds required to predict the impact of this variant on FLNC protein function. In summary, the available evidence is currently insufficient to determine the role of this variant in disease. Therefore, it has been classified as a Variant of Uncertain Significance.

Ambry Genetics
Classification: Uncertain significance for Cardiovascular phenotype. Last evaluated: 2025-02-20. Review status: criteria provided, single submitter. Criteria: Ambry Variant Classification Scheme 2023. Collection method: clinical testing. Allele origin: germline.
Comment: The p.I1929V variant (also known as c.5785A>G), located in coding exon 35 of the FLNC gene, results from an A to G substitution at nucleotide position 5785. The isoleucine at codon 1929 is replaced by valine, an amino acid with highly similar properties. This amino acid position is well conserved in available vertebrate species. In addition, this alteration is predicted to be tolerated by in silico analysis. Based on the available evidence, the clinical significance of this variant remains unclear.